The following is an entry in ClinVar:

NM_001987.5(ETV6):c.233C>A (p.Ser78Tyr)

Genes: ETV6 (ETS variant transcription factor 6; plus strand), LOC126861451 (BRD4-independent group 4 enhancer GRCh37_chr12:11991350-11992549; plus strand). Cytogenetic location: 12p13.2.
Variant type: single nucleotide variant.
Coding change: c.233C>A on transcript NM_001987.5 (MANE Select); coding-DNA position 233, C replaced by A.
Protein change: p.Ser78Tyr; replaces serine 78 with tyrosine.
Molecular consequence: missense variant. On other transcripts: 5 prime UTR variant (1).
Genome position (GRCh38, 1-based): chr12:11,839,209, C>A. VCF-style: chr12-11839209-C-A. GRCh37 (hg19) VCF-style: chr12-11992143-C-A.
Other names: c.230C>A, p.Ser77Tyr (NM_001413913.1); c.206C>A, p.Ser69Tyr (NM_001413914.1); c.-32C>A (NM_001413915.1); c.233C>A, p.Ser78Tyr (NM_001413916.1, NM_001413917.1, NM_001413918.1); short protein forms S69Y, S78Y, S77Y.
Identifiers: ClinVar variation 4842511 (VCV004842511.1).

ClinVar aggregate classification (germline): Uncertain significance (1 of 4 stars; one submission).

Conditions:
Inborn genetic diseases. Identifiers: MedGen C0950123, MeSH D030342.

Submission:

Ambry Genetics
Classification: Uncertain significance for Inborn genetic diseases. Last evaluated: 2025-12-30. Review status: criteria provided, single submitter. Criteria: Ambry Variant Classification Scheme 2023. Collection method: clinical testing. Allele origin: germline.
Comment: The p.S78Y variant (also known as c.233C>A), located in coding exon 3 of the ETV6 gene, results from a C to A substitution at nucleotide position 233. The serine at codon 78 is replaced by tyrosine, an amino acid with dissimilar properties. This amino acid position is well conserved in available vertebrate species. In addition, the in silico prediction for this alteration is inconclusive. Based on the available evidence, the clinical significance of this variant remains unclear.